The following is an entry in ClinVar:

NM_004304.5(ALK):c.4309A>T (p.Ser1437Cys)

Gene: ALK (ALK receptor tyrosine kinase; minus strand). Cytogenetic location: 2p23.2.
Variant type: single nucleotide variant.
Coding change: c.4309A>T on transcript NM_004304.5 (MANE Select); coding-DNA position 4309, A replaced by T.
Protein change: p.Ser1437Cys; replaces serine 1437 with cysteine.
Molecular consequence: missense variant.
Genome position (GRCh38, 1-based): chr2:29,193,778, T>A on the plus strand (A>T on the coding strand, the complement: ALK is on the minus strand). VCF-style: chr2-29193778-T-A. GRCh37 (hg19) VCF-style: chr2-29416644-T-A.
Other names: c.1105A>T, p.Ser369Cys (NM_001353765.2); short protein forms S1437C, S369C.
Identifiers: ClinVar variation 2006848 (VCV002006848.4), dbSNP rs2148138751, ClinGen allele CA346462693.

ClinVar aggregate classification (germline): Uncertain significance (1 of 4 stars; one submission).

Conditions:
Neuroblastoma, susceptibility to, 3. Also called: ALK-Related Neuroblastic Tumor Susceptibility. Identifiers: Orphanet 635, MedGen C2751681, MONDO:0013083, OMIM 613014.

Submission:

Labcorp Genetics (formerly Invitae), Labcorp
Classification: Uncertain significance for Neuroblastoma, susceptibility to, 3. Last evaluated: 2022-06-15. Review status: criteria provided, single submitter. Criteria: Invitae Variant Classification Sherloc (09022015). Collection method: clinical testing. Allele origin: germline.
Comment: In summary, the available evidence is currently insufficient to determine the role of this variant in disease. Therefore, it has been classified as a Variant of Uncertain Significance. Algorithms developed to predict the effect of missense changes on protein structure and function are either unavailable or do not agree on the potential impact of this missense change (SIFT: "Deleterious"; PolyPhen-2: "Benign"; Align-GVGD: "Class C0"). This variant has not been reported in the literature in individuals affected with ALK-related conditions. This variant is not present in population databases (gnomAD no frequency). This sequence change replaces serine, which is neutral and polar, with cysteine, which is neutral and slightly polar, at codon 1437 of the ALK protein (p.Ser1437Cys).